The following is an entry in ClinVar:

ClinVar aggregate classification (germline): Conflicting classifications of pathogenicity. Review status: criteria provided, conflicting classifications (1 of 4 stars). 4 submissions from 4 submitters: Uncertain significance (1); Benign (1); Likely benign (2). Last evaluated 2025-01-09.

Conditions:
Inborn genetic diseases. Identifiers: MedGen C0950123, MeSH D030342.
PKD1-related disorder. Also called: PKD1-related condition.

Allele frequency attached by ClinVar (database versions not stated): ESP Exome Variant Server 0.00056; 1000 Genomes Project 30x 0.00078; 1000 Genomes Project 0.00080; TOPMed 0.00080; gnomAD 0.00093.
gnomAD v4.1: 195 of 1,611,934 alleles (0.012%); highest among the groups gnomAD compares: African/African-American, 0.25%; no homozygotes.

Submissions (4):

PreventionGenetics, part of Exact Sciences
Classification: Likely benign for PKD1-related condition. Last evaluated: 2025-01-09. Review status: criteria provided, single submitter. Criteria: ACMG Guidelines, 2015. Collection method: clinical testing. Allele origin: germline.
Comment: This variant is classified as likely benign based on ACMG/AMP sequence variant interpretation guidelines (Richards et al. 2015 PMID: 25741868, with internal and published modifications).

Blueprint Genetics
Classification: Likely benign. Last evaluated: 2024-11-25. Review status: criteria provided, single submitter. Criteria: ACMG Guidelines, 2015. Collection method: clinical testing. Allele origin: germline.

Ambry Genetics
Classification: Uncertain significance for Inborn genetic diseases. Last evaluated: 2023-06-22. Review status: criteria provided, single submitter. Criteria: Ambry Variant Classification Scheme 2023. Collection method: clinical testing. Allele origin: germline.

Athena Diagnostics
Classification: Benign. Last evaluated: 2017-11-01. Review status: criteria provided, single submitter. Criteria: Athena Diagnostics Criteria. Collection method: clinical testing. Allele origin: germline.

NM_001009944.3(PKD1):c.3731C>T (p.Thr1244Ile)

Gene: PKD1 (polycystin 1, transient receptor potential channel interacting; minus strand). Cytogenetic location: 16p13.3.
Variant type: single nucleotide variant.
Coding change: c.3731C>T on transcript NM_001009944.3 (MANE Select); coding-DNA position 3731, C replaced by T.
Protein change: p.Thr1244Ile; replaces threonine 1244 with isoleucine.
Molecular consequence: missense variant.
Genome position (GRCh38, 1-based): chr16:2,111,436, G>A on the plus strand (C>T on the coding strand, the complement: PKD1 is on the minus strand). VCF-style: chr16-2111436-G-A. GRCh37 (hg19) VCF-style: chr16-2161437-G-A.
Other names: c.3731C>T, p.Thr1244Ile (NM_000296.4); c.3731C>T (NM_001009944.2); short protein forms T1244I.
Identifiers: ClinVar variation 586272 (VCV000586272.6), dbSNP rs143624531, ClinGen allele CA7832652.
Genomic context (GRCh38, chr16:2,111,436, plus strand): 5'-TACACATGCTCCACTGTTGCCTCCGGGCCCGACAGCACGGTGCCGTCCCCCATGTCGAAG[G>A]TCCACGTGATGTTGTCGCCCGTCTGCACCGCGGCGCTGACCACCACGGGGGCGCCCTGCT-3'
Protein context (NP_001009944.3, residues 1234-1254): AVQTGDNITW[Thr1244Ile]FDMGDGTVLS